The following is an entry in ClinVar:

ClinVar aggregate classification (germline): Uncertain significance (1 of 4 stars; one submission).

Conditions:
Neuromuscular disease caused by qualitative or quantitative defects of dysferlin. Also called: Dysferlinopathy; Qualitative or quantitative defects of dysferlin. Identifiers: Orphanet 207073, MedGen C2931687, MONDO:0016145.

Submission:

Labcorp Genetics (formerly Invitae), Labcorp
Classification: Uncertain significance for Neuromuscular disease caused by qualitative or quantitative defects of dysferlin. Last evaluated: 2021-06-05. Review status: criteria provided, single submitter. Criteria: Invitae Variant Classification Sherloc (09022015). Collection method: clinical testing. Allele origin: germline.
Comment: This sequence change replaces glutamine with histidine at codon 2004 of the DYSF protein (p.Gln2004His). The glutamine residue is moderately conserved and there is a small physicochemical difference between glutamine and histidine. This variant is not present in population databases (ExAC no frequency). This variant has not been reported in the literature in individuals with DYSF-related conditions. Advanced modeling of protein sequence and biophysical properties (such as structural, functional, and spatial information, amino acid conservation, physicochemical variation, residue mobility, and thermodynamic stability) performed at Invitae indicates that this missense variant is not expected to disrupt DYSF protein function. In summary, the available evidence is currently insufficient to determine the role of this variant in disease. Therefore, it has been classified as a Variant of Uncertain Significance.

NM_001130987.2(DYSF):c.6129G>T (p.Gln2043His)

Gene: DYSF (dysferlin; plus strand). Cytogenetic location: 2p13.2.
Variant type: single nucleotide variant.
Coding change: c.6129G>T on transcript NM_001130987.2 (MANE Select); coding-DNA position 6129, G replaced by T.
Protein change: p.Gln2043His; replaces glutamine 2043 with histidine.
Molecular consequence: missense variant.
Genome position (GRCh38, 1-based): chr2:71,681,066, G>T. VCF-style: chr2-71681066-G-T. GRCh37 (hg19) VCF-style: chr2-71908196-G-T.
Other names: c.6015G>T, p.Gln2005His (NM_001130455.2); c.5970G>T, p.Gln1990His (NM_001130976.2); c.6033G>T, p.Gln2011His (NM_001130977.2); c.6075G>T, p.Gln2025His (NM_001130978.2); c.6105G>T, p.Gln2035His (NM_001130979.2); c.6063G>T, p.Gln2021His (NM_001130980.2); c.6126G>T, p.Gln2042His (NM_001130981.2); c.6108G>T, p.Gln2036His (NM_001130982.2); and 5 more; short protein forms Q1990H, Q2043H, Q1991H, Q2004H, Q2012H, Q2021H, Q2022H, Q2035H.
Identifiers: ClinVar variation 1953486 (VCV001953486.2), dbSNP rs2546643997, ClinGen allele CA347226829.